The following is an entry in ClinVar:

NM_007254.4(PNKP):c.585G>A (p.Leu195=)

Gene: PNKP (polynucleotide kinase 3'-phosphatase; minus strand). Cytogenetic location: 19q13.33.
Variant type: single nucleotide variant.
Coding change: c.585G>A on transcript NM_007254.4 (MANE Select); coding-DNA position 585, G replaced by A.
Protein change: p.Leu195=; no amino-acid change (leucine 195 retained).
Molecular consequence: synonymous variant.
Genome position (GRCh38, 1-based): chr19:49,864,230, C>T on the plus strand (G>A on the coding strand, the complement: PNKP is on the minus strand). VCF-style: chr19-49864230-C-T. GRCh37 (hg19) VCF-style: chr19-50367487-C-T.
Identifiers: ClinVar variation 511857 (VCV000511857.6), dbSNP rs770100322, ClinGen allele CA9586879.

ClinVar aggregate classification (germline): Likely benign. Review status: criteria provided, multiple submitters, no conflicts (2 of 4 stars). 2 submissions from 2 submitters: Likely benign (2). Last evaluated 2022-09-01.

Conditions:
Developmental and epileptic encephalopathy, 12 (DEE12). Identifiers: MedGen C3150988, MONDO:0013389, OMIM 613722.

Allele frequency attached by ClinVar (database versions not stated): gnomAD exomes below 0.00001; ExAC 0.00001; gnomAD 0.00001; TOPMed 0.00003.
gnomAD v4.1: 5 of 1,614,040 alleles (0.00031%); highest among the groups gnomAD compares: African/African-American, 0.004%; no homozygotes.

Submissions (2):

Labcorp Genetics (formerly Invitae), Labcorp
Classification: Likely benign for Developmental and epileptic encephalopathy, 12. Last evaluated: 2022-09-01. Review status: criteria provided, single submitter. Criteria: Invitae Variant Classification Sherloc (09022015). Collection method: clinical testing. Allele origin: germline.

GeneDx
Classification: Likely benign. Last evaluated: 2017-08-31. Review status: criteria provided, single submitter. Criteria: GeneDx Variant Classification (06012015). Collection method: clinical testing. Allele origin: germline. Affected: yes.
Comment: This variant is considered likely benign or benign based on one or more of the following criteria: it is a conservative change, it occurs at a poorly conserved position in the protein, it is predicted to be benign by multiple in silico algorithms, and/or has population frequency not consistent with disease.